The following is an entry in ClinVar:

ClinVar aggregate classification (germline): Benign. Review status: criteria provided, multiple submitters, no conflicts (2 of 4 stars). 16 submissions from 14 submitters: Benign (12). 4 of the submissions do not count toward it. Last evaluated 2026-02-04.

Conditions:
Meckel syndrome, type 2 (MKS2). Also called: MECKEL-GRUBER SYNDROME, TYPE 2; MKS2-Related Meckel Syndrome. Identifiers: Orphanet 564, MedGen C1864148, MONDO:0011296, OMIM 603194.
Joubert syndrome 2 (JBTS2). Also called: CEREBELLOOCULORENAL SYNDROME 2. Identifiers: Orphanet 2318, MedGen C1842577, MONDO:0011963, OMIM 608091.
Joubert syndrome. Also called: Familial aplasia of the vermis; JOUBERT-BOLTSHAUSER SYNDROME. Identifiers: Orphanet 475, MedGen C5979921, MONDO:0018772.

Allele frequency attached by ClinVar (database versions not stated): ESP Exome Variant Server 0.83228; TOPMed 0.83780; gnomAD 0.84043 and 0.84341; 1000 Genomes Project 30x 0.85290; 1000 Genomes Project 0.85583; gnomAD exomes 0.85978 and 0.87125; ExAC 0.86588.
gnomAD v4.1: 1,385,415 of 1,613,466 alleles (86%); highest among the groups gnomAD compares: East Asian, 97%; 595,832 homozygotes.

Submissions (16):

Labcorp Genetics (formerly Invitae), Labcorp
Classification: Benign for Joubert syndrome. Last evaluated: 2026-02-04. Review status: criteria provided, single submitter. Criteria: Invitae Variant Classification Sherloc (09022015). Collection method: clinical testing. Allele origin: germline.

Blueprint Genetics
Classification: Benign. Last evaluated: 2024-11-27. Review status: criteria provided, single submitter. Criteria: ACMG Guidelines, 2015. Collection method: clinical testing. Allele origin: germline.

Mayo Clinic Laboratories, Mayo Clinic
Classification: Benign. Last evaluated: 2022-05-05. Review status: criteria provided, single submitter. Criteria: ACMG Guidelines, 2015. Collection method: clinical testing. Allele origin: germline. Observed: 1,074 variant alleles.

Genome-Nilou Lab
Classification: Benign for Joubert syndrome 2. Last evaluated: 2021-07-10. Review status: criteria provided, single submitter. Criteria: ACMG Guidelines, 2015. Collection method: clinical testing. Allele origin: germline. Affected: no.

Genome-Nilou Lab
Classification: Benign for Meckel syndrome, type 2. Last evaluated: 2021-07-10. Review status: criteria provided, single submitter. Criteria: ACMG Guidelines, 2015. Collection method: clinical testing. Allele origin: germline. Affected: no.

Illumina Laboratory Services, Illumina
Classification: Benign for Joubert syndrome 2. Last evaluated: 2018-01-12. Review status: criteria provided, single submitter. Criteria: ICSL Variant Classification Criteria 13 December 2019. Collection method: clinical testing. Allele origin: germline.
Comment: This variant was observed in the ICSL laboratory as part of a predisposition screen in an ostensibly healthy population. It had not been previously curated by ICSL or reported in the Human Gene Mutation Database (HGMD: prior to June 1st, 2018), and was therefore a candidate for classification through an automated scoring system. Utilizing variant allele frequency, disease prevalence and penetrance estimates, and inheritance mode, an automated score was calculated to assess if this variant is too frequent to cause the disease. Based on the score and internal cut-off values, a variant classified as benign is not then subjected to further curation. The score for this variant resulted in a classification of benign for this disease.

Illumina Laboratory Services, Illumina
Classification: Benign for Meckel syndrome, type 2. Last evaluated: 2018-01-12. Review status: criteria provided, single submitter. Criteria: ICSL Variant Classification Criteria 13 December 2019. Collection method: clinical testing. Allele origin: germline.
Comment: the same text as in the submission from Illumina Laboratory Services, Illumina above.

Women's Health and Genetics/Laboratory Corporation of America, LabCorp
Classification: Benign. Last evaluated: 2016-05-02. Review status: criteria provided, single submitter. Criteria: LabCorp Variant Classification Summary - May 2015. Collection method: clinical testing. Allele origin: germline.
Comment: Variant summary: The TMEM216 c.264G>A (p.Pro88Pro) variant affects a non-conserved nucleotide, resulting in a synonymous mutation. Mutation taster predicts the variant to be a polymorphism along with 5/5 in silico tools via Alamut predicting the variant not to affect splicing. This variant is found in 104584/120784 control chromosomes (45445 homozygotes) at a frequency of 0.8658763, suggesting this variant to be the ancestral allele; therefore it is classified as Benign.

GeneDx
Classification: Benign. Last evaluated: 2015-03-03. Review status: criteria provided, single submitter. Criteria: GeneDx Variant Classification Process June 2021. Collection method: clinical testing. Allele origin: germline. Affected: yes.

Athena Diagnostics
Classification: Benign. Last evaluated: 2011-08-15. Review status: criteria provided, single submitter. Criteria: Athena Diagnostics Criteria. Collection method: clinical testing. Allele origin: germline.

Breakthrough Genomics
Classification: Benign. Review status: criteria provided, single submitter. Criteria: ACMG Guidelines, 2015. Collection method: not provided. Allele origin: germline. Inheritance: Autosomal recessive inheritance. Affected: yes.

PreventionGenetics, part of Exact Sciences
Classification: Benign. Review status: criteria provided, single submitter. Criteria: ACMG Guidelines, 2015. Collection method: clinical testing. Allele origin: germline.

Natera, Inc.
Classification: Benign for Joubert syndrome type 2. Last evaluated: 2020-09-16. Review status: no assertion criteria provided. Collection method: clinical testing. Allele origin: germline. Not counted in ClinVar's aggregate classification.

Clinical Genetics DNA and cytogenetics Diagnostics Lab, Erasmus MC, Erasmus Medical Center
Classification: Benign. Review status: no assertion criteria provided. Collection method: clinical testing. Allele origin: germline. Affected: yes. Study: VKGL Data-share Consensus. Not counted in ClinVar's aggregate classification.

Diagnostic Laboratory, Department of Genetics, University Medical Center Groningen
Classification: Benign. Review status: no assertion criteria provided. Collection method: clinical testing. Allele origin: germline. Affected: yes. Study: VKGL Data-share Consensus. Not counted in ClinVar's aggregate classification.

Genetic Services Laboratory, University of Chicago
Classification: Likely benign for AllHighlyPenetrant. Review status: no assertion criteria provided. Collection method: clinical testing. Allele origin: germline. Inheritance: Autosomal recessive inheritance. Observed: 239 variant alleles. Not counted in ClinVar's aggregate classification.
Comment: Likely benign based on allele frequency in 1000 Genomes Project or ESP global frequency and its presence in a patient with a rare or unrelated disease phenotype. NOT Sanger confirmed.

NM_001173990.3(TMEM216):c.264G>A (p.Pro88=)

Gene: TMEM216 (transmembrane protein 216; plus strand). Cytogenetic location: 11q12.2.
Variant type: single nucleotide variant.
Coding change: c.264G>A on transcript NM_001173990.3 (MANE Select); coding-DNA position 264, G replaced by A.
Protein change: p.Pro88=; no amino-acid change (proline 88 retained).
Molecular consequence: synonymous variant.
Genome position (GRCh38, 1-based): chr11:61,397,808, G>A. VCF-style: chr11-61397808-G-A. GRCh37 (hg19) VCF-style: chr11-61165280-G-A.
Other names: p.Pro88=; c.264G>A, p.Pro88= (NM_001173991.3); c.81G>A, p.Pro27= (NM_001330285.2, NM_016499.6).
Identifiers: ClinVar variation 126296 (VCV000126296.35), dbSNP rs3741265, ClinGen allele CA150976.